The following is an entry in ClinVar:

ClinVar aggregate classification (germline): Uncertain significance (1 of 4 stars; one submission).

Submission:

Labcorp Genetics (formerly Invitae), Labcorp
Classification: Uncertain significance. Last evaluated: 2024-03-11. Review status: criteria provided, single submitter. Criteria: Invitae Variant Classification Sherloc (09022015). Collection method: clinical testing. Allele origin: germline.
Comment: This sequence change replaces histidine, which is basic and polar, with glutamine, which is neutral and polar, at codon 430 of the LZTR1 protein (p.His430Gln). This variant is not present in population databases (gnomAD no frequency). This variant has not been reported in the literature in individuals affected with LZTR1-related conditions. Advanced modeling of protein sequence and biophysical properties (such as structural, functional, and spatial information, amino acid conservation, physicochemical variation, residue mobility, and thermodynamic stability) performed at Invitae indicates that this missense variant is not expected to disrupt LZTR1 protein function with a negative predictive value of 80%. In summary, the available evidence is currently insufficient to determine the role of this variant in disease. Therefore, it has been classified as a Variant of Uncertain Significance.

NM_006767.4(LZTR1):c.1290C>A (p.His430Gln)

Gene: LZTR1 (leucine zipper like post translational regulator 1; plus strand). Cytogenetic location: 22q11.21.
Variant type: single nucleotide variant.
Coding change: c.1290C>A on transcript NM_006767.4 (MANE Select); coding-DNA position 1290, C replaced by A.
Protein change: p.His430Gln; replaces histidine 430 with glutamine.
Molecular consequence: missense variant.
Genome position (GRCh38, 1-based): chr22:20,993,691, C>A. VCF-style: chr22-20993691-C-A. GRCh37 (hg19) VCF-style: chr22-21347980-C-A.
Other names: short protein forms H430Q.
Identifiers: ClinVar variation 3645410 (VCV003645410.2).
Genomic context (GRCh38, chr22:20,993,691, plus strand): 5'-AACATCTAGTCTCACTGGGCCCCTCTTGCAGTTCTCCTGTTACCCTAAATGCACGCTGCA[C>A]GAGGACTACGGGCGGCTGTGGGAGAGCCGCCAGTTCTGCGACGTGGAGTTCGTGCTGGGT-3'
Protein context (NP_006758.2, residues 420-440): QFSCYPKCTL[His430Gln]EDYGRLWESR